The following is an entry in ClinVar:

NM_000532.5(PCCB):c.941A>C (p.Tyr314Ser)

Gene: PCCB (propionyl-CoA carboxylase subunit beta; plus strand). Cytogenetic location: 3q22.3.
Variant type: single nucleotide variant.
Coding change: c.941A>C on transcript NM_000532.5 (MANE Select); coding-DNA position 941, A replaced by C.
Protein change: p.Tyr314Ser; replaces tyrosine 314 with serine.
Molecular consequence: missense variant.
Genome position (GRCh38, 1-based): chr3:136,301,086, A>C. VCF-style: chr3-136301086-A-C. GRCh37 (hg19) VCF-style: chr3-136019928-A-C.
Other names: c.1001A>C, p.Tyr334Ser (NM_001178014.2); short protein forms Y314S, Y334S.
Identifiers: ClinVar variation 1375377 (VCV001375377.5), dbSNP rs148578333, ClinGen allele CA354645704.
Genomic context (GRCh38, chr3:136,301,086, plus strand): 5'-AAAGTGACCGTCTGGTTCCTGAGCTTGACACAATTGTCCCTTTGGAATCAACCAAAGCCT[A>C]CAACATGGTGGACATCATACACTCTGTAAGTGCCACATCTGTTTGTCTTGCCTGTCCTAG-3'
Protein context (NP_000523.2, residues 304-324): TIVPLESTKA[Tyr314Ser]NMVDIIHSVV

ClinVar aggregate classification (germline): Uncertain significance (1 of 4 stars; one submission).

Conditions:
Propionic acidemia (PROP). Also called: GLYCINEMIA, KETOTIC; HYPERGLYCINEMIA WITH KETOACIDOSIS AND LEUKOPENIA; KETOTIC HYPERGLYCINEMIA. Identifiers: Orphanet 35, MedGen C0268579, MONDO:0011628, OMIM 606054, HP:0003571.

Submission:

Labcorp Genetics (formerly Invitae), Labcorp
Classification: Uncertain significance for Propionic acidemia. Last evaluated: 2021-09-30. Review status: criteria provided, single submitter. Criteria: Invitae Variant Classification Sherloc (09022015). Collection method: clinical testing. Allele origin: germline.
Comment: This sequence change replaces tyrosine with serine at codon 314 of the PCCB protein (p.Tyr314Ser). The tyrosine residue is highly conserved and there is a large physicochemical difference between tyrosine and serine. This variant is not present in population databases (ExAC no frequency). This variant has not been reported in the literature in individuals affected with PCCB-related conditions. Advanced modeling of protein sequence and biophysical properties (such as structural, functional, and spatial information, amino acid conservation, physicochemical variation, residue mobility, and thermodynamic stability) performed at Invitae indicates that this missense variant is expected to disrupt PCCB protein function. In summary, the available evidence is currently insufficient to determine the role of this variant in disease. Therefore, it has been classified as a Variant of Uncertain Significance.